The following is an entry in ClinVar:

ClinVar aggregate classification (germline): Uncertain significance (1 of 4 stars; one submission).

Conditions:
Axenfeld-Rieger syndrome type 3 (RIEG3). Also called: AXENFELD-RIEGER ANOMALY WITH CARDIAC DEFECTS AND/OR SENSORINEURAL HEARING LOSS. Identifiers: Orphanet 782, MedGen C2678503, MONDO:0011233, OMIM 602482.

Submission:

Labcorp Genetics (formerly Invitae), Labcorp
Classification: Uncertain significance for Axenfeld-Rieger syndrome type 3. Last evaluated: 2023-09-12. Review status: criteria provided, single submitter. Criteria: Invitae Variant Classification Sherloc (09022015). Collection method: clinical testing. Allele origin: germline.
Comment: This sequence change replaces proline, which is neutral and non-polar, with leucine, which is neutral and non-polar, at codon 205 of the FOXC1 protein (p.Pro205Leu). This variant is not present in population databases (gnomAD no frequency). This variant has not been reported in the literature in individuals affected with FOXC1-related conditions. An algorithm developed to predict the effect of missense changes on protein structure and function (PolyPhen-2) suggests that this variant is likely to be tolerated. In summary, the available evidence is currently insufficient to determine the role of this variant in disease. Therefore, it has been classified as a Variant of Uncertain Significance.

NM_001453.3(FOXC1):c.614C>T (p.Pro205Leu)

Gene: FOXC1 (forkhead box C1; plus strand). Cytogenetic location: 6p25.3.
Variant type: single nucleotide variant.
Coding change: c.614C>T on transcript NM_001453.3 (MANE Select); coding-DNA position 614, C replaced by T.
Protein change: p.Pro205Leu; replaces proline 205 with leucine.
Molecular consequence: missense variant.
Genome position (GRCh38, 1-based): chr6:1,611,059, C>T. VCF-style: chr6-1611059-C-T. GRCh37 (hg19) VCF-style: chr6-1611294-C-T.
Other names: short protein forms P205L.
Identifiers: ClinVar variation 2993474 (VCV002993474.3), dbSNP rs2480503622, ClinGen allele CA362559206.